The following is an entry in ClinVar:

ClinVar aggregate classification (germline): Pathogenic (1 of 4 stars; one submission).

Submission:

GeneDx
Classification: Pathogenic. Last evaluated: 2015-10-27. Review status: criteria provided, single submitter. Criteria: GeneDx Variant Classification (06012015). Collection method: clinical testing. Allele origin: germline. Affected: yes.
Comment: The c.705delT deletion in the AMER1 gene has not been reported previously as a pathogenic variant nor asa benign variant, to our knowledge. The c.705delT variant causes a frameshift starting with codon Proline 237,changes this amino acid to a Glutamine residue, and creates a premature Stop codon at position 45 of the new readingframe, denoted p.P237QfsX45. This frameshift variant replaces the typical last 899 amino acid residues in theAMER1 protein with 44 different amnio acid residues. This change is expected to alter the normal structure andfunction of the resultant protein. The c.705delT variant was not observed in approximately 6500 individuals ofEuropean and African American ancestry in the NHLBI Exome Sequencing Project, indicating it is not a commonbenign variant in these populations. We interpret c.705delT as a pathogenic variant.

NM_152424.4(AMER1):c.705del (p.Pro237fs)

Gene: AMER1 (APC membrane recruitment protein 1; minus strand). Cytogenetic location: Xq11.2.
Variant type: Deletion.
Coding change: c.705del on transcript NM_152424.4 (MANE Select); coding-DNA position 705, one base deleted (T; older notation c.705delT).
Protein change: p.Pro237fs; shifts the reading frame from proline 237.
Molecular consequence: frameshift variant.
Genome position (GRCh38, 1-based): chrX:64,192,582, A deleted on the plus strand (T on the coding strand, the reverse complement: AMER1 is on the minus strand). VCF-style (leftmost placement, unchanged base first): chrX-64192581-CA-C. GRCh37 (hg19) VCF-style: chrX-63412461-CA-C.
Other names: short protein forms P237fs.
Identifiers: ClinVar variation 429881 (VCV000429881.2), dbSNP rs1131691649, ClinGen allele CA645369808.